The following is an entry in ClinVar:

NM_024408.4(NOTCH2):c.4058A>G (p.Lys1353Arg)

Gene: NOTCH2 (notch receptor 2; minus strand). Cytogenetic location: 1p12.
Variant type: single nucleotide variant.
Coding change: c.4058A>G on transcript NM_024408.4 (MANE Select); coding-DNA position 4058, A replaced by G.
Protein change: p.Lys1353Arg; replaces lysine 1353 with arginine.
Molecular consequence: missense variant.
Genome position (GRCh38, 1-based): chr1:119,925,758, T>C on the plus strand (A>G on the coding strand, the complement: NOTCH2 is on the minus strand). VCF-style: chr1-119925758-T-C. GRCh37 (hg19) VCF-style: chr1-120468381-T-C.
Other names: short protein forms K1353R.
Identifiers: ClinVar variation 2897292 (VCV002897292.3), dbSNP rs2101163221, ClinGen allele CA341891138.

ClinVar aggregate classification (germline): Uncertain significance (1 of 4 stars; one submission).

Conditions:
Hajdu-Cheney syndrome (HJCYS). Also called: ACROOSTEOLYSIS WITH OSTEOPOROSIS AND CHANGES IN SKULL AND MANDIBLE; SERPENTINE FIBULA-POLYCYSTIC KIDNEY SYNDROME; Acroosteolysis dominant type. Identifiers: Orphanet 955, MedGen C0917715, MONDO:0007057, OMIM 102500.

gnomAD v4.1: 1 of 1,614,106 alleles (0.000062%); highest among the groups gnomAD compares: African/African-American, 0.0013%; no homozygotes.

Submission:

Labcorp Genetics (formerly Invitae), Labcorp
Classification: Uncertain significance for Hajdu-Cheney syndrome. Last evaluated: 2023-08-30. Review status: criteria provided, single submitter. Criteria: Invitae Variant Classification Sherloc (09022015). Collection method: clinical testing. Allele origin: germline.
Comment: In summary, the available evidence is currently insufficient to determine the role of this variant in disease. Therefore, it has been classified as a Variant of Uncertain Significance. Advanced modeling of protein sequence and biophysical properties (such as structural, functional, and spatial information, amino acid conservation, physicochemical variation, residue mobility, and thermodynamic stability) performed at Invitae indicates that this missense variant is not expected to disrupt NOTCH2 protein function. This variant has not been reported in the literature in individuals affected with NOTCH2-related conditions. This variant is not present in population databases (gnomAD no frequency). This sequence change replaces lysine, which is basic and polar, with arginine, which is basic and polar, at codon 1353 of the NOTCH2 protein (p.Lys1353Arg).